The following is an entry in ClinVar:

NM_000392.5(ABCC2):c.2944A>G (p.Ile982Val)

Gene: ABCC2 (ATP binding cassette subfamily C member 2; plus strand). Cytogenetic location: 10q24.2.
Variant type: single nucleotide variant.
Coding change: c.2944A>G on transcript NM_000392.5 (MANE Select); coding-DNA position 2944, A replaced by G.
Protein change: p.Ile982Val; replaces isoleucine 982 with valine.
Molecular consequence: missense variant.
Genome position (GRCh38, 1-based): chr10:99,831,671, A>G. VCF-style: chr10-99831671-A-G. GRCh37 (hg19) VCF-style: chr10-101591428-A-G.
Other names: c.2944A>G, p.Ile982Val (LRG_1208t1); short protein forms I982V.
Identifiers: ClinVar variation 282330 (VCV000282330.59), dbSNP rs17222554, ClinGen allele CA5643651.
Genomic context (GRCh38, chr10:99,831,671, plus strand): 5'-GTGAAGTTCTCCATCTACCTGGAGTACCTACAAGCAATAGGATTGTTTTCGATATTCTTC[A>G]TCATCCTTGCGTTTGTGATGAATTCTGTGGCTTTTATTGGATCCAACCTCTGGCTCAGTG-3'
Protein context (NP_000383.2, residues 972-992): QAIGLFSIFF[Ile982Val]ILAFVMNSVA

ClinVar aggregate classification (germline): Likely benign. Review status: criteria provided, multiple submitters, no conflicts (2 of 4 stars). 6 submissions from 6 submitters: Likely benign (5). 1 of the submissions does not count toward it. Last evaluated 2025-12-04.

Conditions:
ABCC2-related disorder. Also called: ABCC2-related condition.
Dubin-Johnson syndrome (DJS). Also called: HYPERBILIRUBINEMIA, DUBIN-JOHNSON TYPE; Jaundice, Chronic Idiopathic; Hyperbilirubinemia type 2. Identifiers: Orphanet 234, MedGen C0022350, MONDO:0009380, OMIM 237500.

Allele frequency attached by ClinVar (database versions not stated): gnomAD exomes 0.00034; ExAC 0.00044; 1000 Genomes Project 0.00060; 1000 Genomes Project 30x 0.00078; ESP Exome Variant Server 0.00138; gnomAD 0.00140; TOPMed 0.00166.
gnomAD v4.1: 392 of 1,614,162 alleles (0.024%); highest among the groups gnomAD compares: African/African-American, 0.45%; no homozygotes.

Submissions (6):

Labcorp Genetics (formerly Invitae), Labcorp
Classification: Likely benign. Last evaluated: 2025-12-04. Review status: criteria provided, single submitter. Criteria: Invitae Variant Classification Sherloc (09022015). Collection method: clinical testing. Allele origin: germline.

Mayo Clinic Laboratories, Mayo Clinic
Classification: Likely benign. Last evaluated: 2025-08-12. Review status: criteria provided, single submitter. Criteria: ACMG Guidelines, 2015. Collection method: clinical testing. Allele origin: germline. Observed: 1 variant allele.
Comment: BS1, BP4

CeGaT Center for Human Genetics Tuebingen
Classification: Likely benign. Last evaluated: 2022-07-01. Review status: criteria provided, single submitter. Criteria: CeGaT Center For Human Genetics Tuebingen Variant Classification Criteria Version 2. Collection method: clinical testing. Allele origin: germline. Affected: yes. Observed: 3 variant alleles.
Comment: ABCC2: BP4

Illumina Laboratory Services, Illumina
Classification: Likely benign for Dubin-Johnson syndrome. Last evaluated: 2017-05-31. Review status: criteria provided, single submitter. Criteria: ICSL Variant Classification Criteria 13 December 2019. Collection method: clinical testing. Allele origin: germline.
Comment: This variant was observed as part of a predisposition screen in an ostensibly healthy population. A literature search was performed for the gene, cDNA change, and amino acid change (where applicable). Publications were found based on this search. The evidence from the literature, in combination with allele frequency data from public databases where available, was sufficient to determine this variant is unlikely to cause disease. Therefore, this variant is classified as likely benign.

Eurofins Ntd Llc (ga)
Classification: Likely benign. Last evaluated: 2015-08-13. Review status: criteria provided, single submitter. Criteria: EGL Classification Definitions 2015. Collection method: clinical testing. Allele origin: germline. Observed: 1 variant allele, 1 heterozygote.

PreventionGenetics, part of Exact Sciences
Classification: Likely benign for ABCC2-related condition. Last evaluated: 2021-03-29. Review status: no assertion criteria provided. Collection method: clinical testing. Allele origin: germline. Not counted in ClinVar's aggregate classification.
Comment: This variant is classified as likely benign based on ACMG/AMP sequence variant interpretation guidelines (Richards et al. 2015 PMID: 25741868, with internal and published modifications).

Literature cited by the submitters: PubMed 18673259 (cited by Illumina Laboratory Services, Illumina); PubMed 16847695 (cited by Illumina Laboratory Services, Illumina).